The following is an entry in ClinVar:

NM_006231.4(POLE):c.4762C>G (p.Gln1588Glu)

Gene: POLE (DNA polymerase epsilon, catalytic subunit; minus strand). Cytogenetic location: 12q24.33.
Variant type: single nucleotide variant.
Coding change: c.4762C>G on transcript NM_006231.4 (MANE Select); coding-DNA position 4762, C replaced by G.
Protein change: p.Gln1588Glu; replaces glutamine 1588 with glutamic acid.
Molecular consequence: missense variant.
Genome position (GRCh38, 1-based): chr12:132,642,696, G>C on the plus strand (C>G on the coding strand, the complement: POLE is on the minus strand). VCF-style: chr12-132642696-G-C. GRCh37 (hg19) VCF-style: chr12-133219282-G-C.
Other names: short protein forms Q1588E.
Identifiers: ClinVar variation 1953061 (VCV001953061.2), dbSNP rs2541886319, ClinGen allele CA387378481.

ClinVar aggregate classification (germline): Uncertain significance (1 of 4 stars; one submission).

Conditions:
Colorectal cancer, susceptibility to, 12 (CRCS12). Also called: COLORECTAL CANCER, SUSCEPTIBILITY TO, ON CHROMOSOME 12q24. Identifiers: Orphanet 220460, MedGen C3554460, MONDO:0014038, OMIM 615083.

Submission:

Labcorp Genetics (formerly Invitae), Labcorp
Classification: Uncertain significance for Colorectal cancer, susceptibility to, 12. Last evaluated: 2022-07-22. Review status: criteria provided, single submitter. Criteria: Invitae Variant Classification Sherloc (09022015). Collection method: clinical testing. Allele origin: germline.
Comment: This sequence change replaces glutamine, which is neutral and polar, with glutamic acid, which is acidic and polar, at codon 1588 of the POLE protein (p.Gln1588Glu). This variant is not present in population databases (gnomAD no frequency). This variant has not been reported in the literature in individuals affected with POLE-related conditions. Algorithms developed to predict the effect of missense changes on protein structure and function (SIFT, PolyPhen-2, Align-GVGD) all suggest that this variant is likely to be tolerated. In summary, the available evidence is currently insufficient to determine the role of this variant in disease. Therefore, it has been classified as a Variant of Uncertain Significance.